The following is an entry in ClinVar:

NM_001330239.4(TJP1):c.5094G>A (p.Val1698=)

Gene: TJP1 (tight junction protein 1; minus strand). Cytogenetic location: 15q13.1.
Variant type: single nucleotide variant.
Coding change: c.5094G>A on transcript NM_001330239.4 (MANE Select); coding-DNA position 5094, G replaced by A.
Protein change: p.Val1698=; no amino-acid change (valine 1698 retained).
Molecular consequence: synonymous variant.
Genome position (GRCh38, 1-based): chr15:29,704,280, C>T on the plus strand (G>A on the coding strand, the complement: TJP1 is on the minus strand). VCF-style: chr15-29704280-C-T. GRCh37 (hg19) VCF-style: chr15-29996484-C-T.
Other names: c.5373G>A, p.Val1791= (NM_001301025.3, NM_001355012.2); c.4866G>A, p.Val1622= (NM_001301026.2); c.5106G>A, p.Val1702= (NM_001355013.1); c.5094G>A, p.Val1698= (NM_001355014.2, NM_003257.5); c.4854G>A, p.Val1618= (NM_001355015.2, NM_175610.4).
Identifiers: ClinVar variation 3047597 (VCV003047597.2), dbSNP rs575536449, ClinGen allele CA7446358.

ClinVar aggregate classification (germline): Likely benign (0 of 4 stars; one submission).

Conditions:
TJP1-related disorder. Also called: TJP1-related condition.

Allele frequency attached by ClinVar (database versions not stated): gnomAD exomes 0.00004; TOPMed 0.00004; gnomAD 0.00005; ExAC 0.00006; 1000 Genomes Project 30x 0.00031; 1000 Genomes Project 0.00040.
gnomAD v4.1: 58 of 1,598,094 alleles (0.0036%); highest among the groups gnomAD compares: South Asian, 0.042%; no homozygotes.

Submission:

PreventionGenetics, part of Exact Sciences
Classification: Likely benign for TJP1-related condition. Last evaluated: 2020-03-23. Review status: no assertion criteria provided. Collection method: clinical testing. Allele origin: germline.
Comment: This variant is classified as likely benign based on ACMG/AMP sequence variant interpretation guidelines (Richards et al. 2015 PMID: 25741868, with internal and published modifications).